The following is an entry in ClinVar:

NM_020686.6(ABAT):c.331G>A (p.Ala111Thr)

Gene: ABAT (4-aminobutyrate aminotransferase; plus strand). Cytogenetic location: 16p13.2.
Variant type: single nucleotide variant.
Coding change: c.331G>A on transcript NM_020686.6 (MANE Select); coding-DNA position 331, G replaced by A.
Protein change: p.Ala111Thr; replaces alanine 111 with threonine.
Molecular consequence: missense variant.
Genome position (GRCh38, 1-based): chr16:8,757,771, G>A. VCF-style: chr16-8757771-G-A. GRCh37 (hg19) VCF-style: chr16-8851628-G-A.
Other names: c.331G>A, p.Ala111Thr (NM_000663.5, NM_001127448.2, NM_001386600.1 and 10 more transcripts); c.196G>A, p.Ala66Thr (NM_001386610.1, NM_001386611.1, NM_001386612.1 and 1 more transcripts); c.85G>A, p.Ala29Thr (NM_001386614.1); c.427G>A, p.Ala143Thr (NM_001386615.1); short protein forms A111T, A143T, A29T, A66T.
Identifiers: ClinVar variation 1008220 (VCV001008220.7), dbSNP rs150783272, ClinGen allele CA7893074.

ClinVar aggregate classification (germline): Uncertain significance (1 of 4 stars; one submission).

Conditions:
Gamma-aminobutyric acid transaminase deficiency (GABATD). Also called: GABA transaminase deficiency; Gamma aminobutyrate transaminase deficiency; 4 alpha aminobutyrate transaminase deficiency; GABA aminotransaminase deficiency. Identifiers: Orphanet 2066, MedGen C0342708, MONDO:0013166, OMIM 613163.

Allele frequency attached by ClinVar (database versions not stated): TOPMed 0.00002; gnomAD 0.00003; ESP Exome Variant Server 0.00008.
gnomAD v4.1: 23 of 1,613,936 alleles (0.0014%); highest among the groups gnomAD compares: Middle Eastern, 0.016%; no homozygotes.

Submission:

Labcorp Genetics (formerly Invitae), Labcorp
Classification: Uncertain significance for Gamma-aminobutyric acid transaminase deficiency. Last evaluated: 2024-01-02. Review status: criteria provided, single submitter. Criteria: Invitae Variant Classification Sherloc (09022015). Collection method: clinical testing. Allele origin: germline.
Comment: This sequence change replaces alanine, which is neutral and non-polar, with threonine, which is neutral and polar, at codon 111 of the ABAT protein (p.Ala111Thr). This variant is present in population databases (rs150783272, gnomAD 0.04%). This variant has not been reported in the literature in individuals affected with ABAT-related conditions. ClinVar contains an entry for this variant (Variation ID: 1008220). Advanced modeling of protein sequence and biophysical properties (such as structural, functional, and spatial information, amino acid conservation, physicochemical variation, residue mobility, and thermodynamic stability) performed at Invitae indicates that this missense variant is not expected to disrupt ABAT protein function with a negative predictive value of 80%. In summary, the available evidence is currently insufficient to determine the role of this variant in disease. Therefore, it has been classified as a Variant of Uncertain Significance.